The following is an entry in ClinVar:

ClinVar aggregate classification (germline): Uncertain significance (1 of 4 stars; one submission).

Conditions:
Primary ciliary dyskinesia. Also called: Ciliary dyskinesia. Identifiers: Orphanet 244, MedGen C0008780, MONDO:0016575, HP:0012265.

gnomAD v4.1: 2 of 1,611,558 alleles (0.00012%); highest among the groups gnomAD compares: Admixed American, 0.0033%; no homozygotes.

Submission:

Ambry Genetics
Classification: Uncertain significance for Primary ciliary dyskinesia. Last evaluated: 2026-04-11. Review status: criteria provided, single submitter. Criteria: Ambry Variant Classification Scheme 2023. Collection method: clinical testing. Allele origin: germline.
Comment: The p.M512I variant (also known as c.1536G>A), located in coding exon 8 of the DNAH11 gene, results from a G to A substitution at nucleotide position 1536. The methionine at codon 512 is replaced by isoleucine, an amino acid with highly similar properties. This amino acid position is conserved. In addition, this alteration is predicted to be tolerated by in silico analysis. Based on the available evidence, the clinical significance of this variant remains unclear.

NM_001277115.2(DNAH11):c.1536G>A (p.Met512Ile)

Gene: DNAH11 (dynein axonemal heavy chain 11; plus strand). Cytogenetic location: 7p15.3.
Variant type: single nucleotide variant.
Coding change: c.1536G>A on transcript NM_001277115.2 (MANE Select); coding-DNA position 1536, G replaced by A.
Protein change: p.Met512Ile; replaces methionine 512 with isoleucine.
Molecular consequence: missense variant.
Genome position (GRCh38, 1-based): chr7:21,571,916, G>A. VCF-style: chr7-21571916-G-A. GRCh37 (hg19) VCF-style: chr7-21611534-G-A.
Other names: short protein forms M512I.
Identifiers: ClinVar variation 4869921 (VCV004869921.1).